The following is an entry in ClinVar:

ClinVar aggregate classification (germline): Uncertain significance. Review status: criteria provided, multiple submitters, no conflicts (2 of 4 stars). 2 submissions from 2 submitters: Uncertain significance (2). Last evaluated 2024-12-06.

Conditions:
Neurodevelopmental disorder with craniofacial dysmorphism and skeletal defects (NEDCDS). Identifiers: Orphanet 662207, MedGen C5774235, MONDO:0859301, OMIM 620083.

Submissions (2):

GeneDx
Classification: Uncertain significance. Last evaluated: 2024-12-06. Review status: criteria provided, single submitter. Criteria: GeneDx Variant Classification Process June 2021. Collection method: clinical testing. Allele origin: germline. Affected: yes.
Comment: Not observed at significant frequency in large population cohorts (gnomAD); In silico analysis supports that this missense variant has a deleterious effect on protein structure/function; Has not been previously published as pathogenic or benign to our knowledge

University of Washington Department of Laboratory Medicine, University of Washington
Classification: Uncertain significance for Neurodevelopmental disorder with craniofacial dysmorphism and skeletal defects. Last evaluated: 2023-08-30. Review status: criteria provided, single submitter. Criteria: ACMG Guidelines, 2015. Collection method: clinical testing. Allele origin: de novo. Affected: yes.
Comment: This variant was absent from large population databases, including the Genome Aggregation Database. The p.His354Asp variant is located in the RNA recognition motif (RRM) of the HNRNPH1 protein and the HNRNPH1 gene has fewer missense variants in the general population than expected. A low rate of missense variation may suggest that this gene is intolerant to missense variation. In silico tools do not consistently predict if the p.His354Asp variant impacts protein function; however, these predictions have not been tested directly. Using ACMG guidelines, this variant was classified as a variant of uncertain significance (ACMG evidence codes used: PS2_moderate, PM2_supporting, PP2).

NM_001257293.2(HNRNPH1):c.1060C>G (p.His354Asp)

Genes: HNRNPH1 (heterogeneous nuclear ribonucleoprotein H1; minus strand), LOC128966623 (uncharacterized LOC128966623; plus strand). Cytogenetic location: 5q35.3.
Variant type: single nucleotide variant.
Coding change: c.1060C>G on transcript NM_001257293.2 (MANE Select); coding-DNA position 1060, C replaced by G.
Protein change: p.His354Asp; replaces histidine 354 with aspartic acid.
Molecular consequence: missense variant. On other transcripts: intron variant (3).
Genome position (GRCh38, 1-based): chr5:179,617,108, G>C on the plus strand (C>G on the coding strand, the complement: HNRNPH1 is on the minus strand). VCF-style: chr5-179617108-G-C. GRCh37 (hg19) VCF-style: chr5-179044109-G-C.
Other names: c.1060C>G, p.His354Asp (NM_001363572.2, NM_001364225.2, NM_001364226.2 and 24 more transcripts); c.1039C>G, p.His347Asp (NM_001364240.2, NM_001364241.2, NM_001364242.2 and 6 more transcripts); c.904C>G, p.His302Asp (NM_001364250.2); c.457C>G, p.His153Asp (NM_001364251.2, NM_001364252.2, NM_001364253.2 and 4 more transcripts); c.829C>G, p.His277Asp (NM_001395190.1); c.742C>G, p.His248Asp (NM_001395191.1, NM_001395192.1); c.649C>G, p.His217Asp (NM_001395193.1); c.1058-150C>G (NM_001364247.2, NM_001395177.1, NM_001364246.2); short protein forms H153D, H217D, H248D, H277D, H302D, H347D, H354D.
Identifiers: ClinVar variation 3255500 (VCV003255500.2), dbSNP rs2532621595.
Genomic context (GRCh38, chr5:179,617,108, plus strand): 5'-TACCGTAAGCACCACCGCTTGCTCCTGCTGTAGAATTCAAGAAGAGTTCTACATATCTGT[G>C]TTCTGAAATGAGAAAAAAAAAGTTTGAAAATGTTTGTTGGTGAAACAAAACAGAATAAGC-3'
Protein context (NP_001244222.1, residues 344-364): AMSKDKANMQ[His354Asp]RYVELFLNST